The following is an entry in ClinVar:

ClinVar aggregate classification (germline): Uncertain significance (1 of 4 stars; one submission).

Conditions:
Ullrich congenital muscular dystrophy 2 (UCMD2). Identifiers: Orphanet 75840, MedGen C4225314, MONDO:0014654, OMIM 616470.
Bethlem myopathy 2 (BTHLM2). Identifiers: Orphanet 536516, Orphanet 610, MedGen C4225313, MONDO:0034022, OMIM 616471.

Allele frequency attached by ClinVar (database versions not stated): gnomAD exomes below 0.00001; 1000 Genomes Project 0.00020; ExAC 0.00001; gnomAD 0.00001; 1000 Genomes Project 30x 0.00016.
gnomAD v4.1: 2 of 1,614,126 alleles (0.00012%); highest among the groups gnomAD compares: Admixed American, 0.0033%; no homozygotes.

Submission:

Labcorp Genetics (formerly Invitae), Labcorp
Classification: Uncertain significance for Bethlem myopathy 2; Ullrich congenital muscular dystrophy 2. Last evaluated: 2025-03-16. Review status: criteria provided, single submitter. Criteria: Invitae Variant Classification Sherloc (09022015). Collection method: clinical testing. Allele origin: germline.
Comment: This sequence change replaces valine, which is neutral and non-polar, with methionine, which is neutral and non-polar, at codon 1961 of the COL12A1 protein (p.Val1961Met). This variant is present in population databases (rs536233725, gnomAD 0.003%). This variant has not been reported in the literature in individuals affected with COL12A1-related conditions. ClinVar contains an entry for this variant (Variation ID: 567669). Invitae Evidence Modeling of protein sequence and biophysical properties (such as structural, functional, and spatial information, amino acid conservation, physicochemical variation, residue mobility, and thermodynamic stability) has been performed for this missense variant. However, the output from this modeling did not meet the statistical confidence thresholds required to predict the impact of this variant on COL12A1 protein function. In summary, the available evidence is currently insufficient to determine the role of this variant in disease. Therefore, it has been classified as a Variant of Uncertain Significance.

NM_004370.6(COL12A1):c.5881G>A (p.Val1961Met)

Gene: COL12A1 (collagen type XII alpha 1 chain; minus strand). Cytogenetic location: 6q13.
Variant type: single nucleotide variant.
Coding change: c.5881G>A on transcript NM_004370.6 (MANE Select); coding-DNA position 5881, G replaced by A.
Protein change: p.Val1961Met; replaces valine 1961 with methionine.
Molecular consequence: missense variant.
Genome position (GRCh38, 1-based): chr6:75,131,996, C>T on the plus strand (G>A on the coding strand, the complement: COL12A1 is on the minus strand). VCF-style: chr6-75131996-C-T. GRCh37 (hg19) VCF-style: chr6-75841712-C-T.
Other names: c.2389G>A, p.Val797Met (NM_080645.3); short protein forms V1961M, V797M.
Identifiers: ClinVar variation 567669 (VCV000567669.9), dbSNP rs536233725, ClinGen allele CA3892977.
Genomic context (GRCh38, chr6:75,131,996, plus strand): 5'-TTACAGATTCTGAGGGTCTTGTGCCATCCACAGGAGAATACACAACGCGATATTGCAGCA[C>T]AGGTCCTGGAGCAGGGTCCCAGCGAACATCGAGGCTGTTAGGTGTAGGATTGTATACTTG-3'
Protein context (NP_004361.3, residues 1951-1971): DVRWDPAPGP[Val1961Met]LQYRVVYSPV